The following is an entry in ClinVar:

NM_001371596.2(MFSD8):c.1217_1218dup (p.Trp407fs)

Gene: MFSD8 (major facilitator superfamily domain containing 8; minus strand). Cytogenetic location: 4q28.2.
Variant type: Duplication.
Coding change: c.1217_1218dup on transcript NM_001371596.2 (MANE Select); coding-DNA positions 1217 to 1218, 2 bases duplicated (CC; older notation c.1217_1218dupCC).
Protein change: p.Trp407fs; shifts the reading frame from tryptophan 407.
Molecular consequence: frameshift variant.
Genome position (GRCh38, 1-based): chr4:127,921,656-127,921,657, GG duplicated on the plus strand (CC on the coding strand, the reverse complement: MFSD8 is on the minus strand). VCF-style (leftmost placement, unchanged base first): chr4-127921655-A-AGG. GRCh37 (hg19) VCF-style: chr4-128842810-A-AGG.
Other names: c.1016_1017dup, p.Trp340Profs (NM_001363520.3); c.902_903dup, p.Trp302Profs (NM_001363521.3); c.1082_1083dup, p.Trp362Profs (NM_001371590.2); c.1217_1218dup, p.Trp407Profs (NM_001371591.2); c.1223_1224dup, p.Trp409Profs (NM_001371592.2); c.1103_1104dup, p.Trp369Profs (NM_001371593.2); c.1070_1071dup, p.Trp358Profs (NM_001371594.2); c.935_936dup, p.Trp313fs (NM_001371595.1); and 3 more; short protein forms W302fs, W313fs, W340fs, W358fs, W362fs, W369fs, W407fs, W409fs.
Identifiers: ClinVar variation 1074681 (VCV001074681.7), dbSNP rs2148839960, ClinGen allele CA2499217082.

ClinVar aggregate classification (germline): Pathogenic (1 of 4 stars; one submission).

Conditions:
Neuronal ceroid lipofuscinosis 7 (CLN7). Also called: MFSD8-Related Neuronal Ceroid-Lipofuscinosis. Identifiers: Orphanet 168491, Orphanet 228366, MedGen C1838571, MONDO:0012588, OMIM 610951.

Submission:

Labcorp Genetics (formerly Invitae), Labcorp
Classification: Pathogenic for Neuronal ceroid lipofuscinosis 7. Last evaluated: 2023-11-06. Review status: criteria provided, single submitter. Criteria: Invitae Variant Classification Sherloc (09022015). Collection method: clinical testing. Allele origin: germline.
Comment: This sequence change creates a premature translational stop signal (p.Trp407Profs*8) in the MFSD8 gene. It is expected to result in an absent or disrupted protein product. Loss-of-function variants in MFSD8 are known to be pathogenic (PMID: 19177532, 25227500, 28586915). This variant is not present in population databases (gnomAD no frequency). This variant has not been reported in the literature in individuals affected with MFSD8-related conditions. ClinVar contains an entry for this variant (Variation ID: 1074681). For these reasons, this variant has been classified as Pathogenic.

Literature cited by the submitters: PubMed 19177532; PubMed 25227500; PubMed 28586915.